The following is an entry in ClinVar:

ClinVar aggregate classification (germline): Uncertain significance (1 of 4 stars; one submission).

Conditions:
DICER1-related tumor predisposition. Also called: DICER1-related pleuropulmonary blastoma cancer predisposition syndrome; DICER1 syndrome. Identifiers: Orphanet 284343, MedGen C3839822, MONDO:0100216.

Submission:

Labcorp Genetics (formerly Invitae), Labcorp
Classification: Uncertain significance for DICER1-related tumor predisposition. Last evaluated: 2022-09-03. Review status: criteria provided, single submitter. Criteria: Invitae Variant Classification Sherloc (09022015). Collection method: clinical testing. Allele origin: germline.
Comment: In summary, the available evidence is currently insufficient to determine the role of this variant in disease. Therefore, it has been classified as a Variant of Uncertain Significance. Algorithms developed to predict the effect of missense changes on protein structure and function (SIFT, PolyPhen-2, Align-GVGD) all suggest that this variant is likely to be tolerated. ClinVar contains an entry for this variant (Variation ID: 477248). This variant has not been reported in the literature in individuals affected with DICER1-related conditions. This variant is not present in population databases (gnomAD no frequency). This sequence change replaces valine, which is neutral and non-polar, with leucine, which is neutral and non-polar, at codon 1731 of the DICER1 protein (p.Val1731Leu).

NM_177438.3(DICER1):c.5191G>C (p.Val1731Leu)

Gene: DICER1 (dicer 1, ribonuclease III; minus strand). Cytogenetic location: 14q32.13.
Variant type: single nucleotide variant.
Coding change: c.5191G>C on transcript NM_177438.3 (MANE Select); coding-DNA position 5191, G replaced by C.
Protein change: p.Val1731Leu; replaces valine 1731 with leucine.
Molecular consequence: missense variant.
Genome position (GRCh38, 1-based): chr14:95,094,061, C>G on the plus strand (G>C on the coding strand, the complement: DICER1 is on the minus strand). VCF-style: chr14-95094061-C-G. GRCh37 (hg19) VCF-style: chr14-95560398-C-G.
Other names: c.5191G>C, p.Val1731Leu (NM_001195573.1, NM_001271282.3, NM_001291628.2 and 1 more transcripts); short protein forms V1731L.
Identifiers: ClinVar variation 477248 (VCV000477248.10), dbSNP rs1555366846, ClinGen allele CA390865246.